The following is an entry in ClinVar:

ClinVar aggregate classification (germline): Likely pathogenic (1 of 4 stars; one submission).

Conditions:
Purine-nucleoside phosphorylase deficiency. Also called: Immunodeficiency due to purine nucleoside phosphorylase deficiency; NUCLEOSIDE PHOSPHORYLASE DEFICIENCY. Identifiers: Orphanet 760, MedGen C0268125, MONDO:0013171, OMIM 613179.

Allele frequency attached by ClinVar (database versions not stated): gnomAD exomes below 0.00001; TOPMed below 0.00001.
gnomAD v4.1: 1 of 1,613,168 alleles (0.000062%); highest among the groups gnomAD compares: Non-Finnish European, 0.000085%; no homozygotes.

Submission:

Labcorp Genetics (formerly Invitae), Labcorp
Classification: Likely pathogenic for Purine-nucleoside phosphorylase deficiency. Last evaluated: 2022-08-23. Review status: criteria provided, single submitter. Criteria: Invitae Variant Classification Sherloc (09022015). Collection method: clinical testing. Allele origin: germline.
Comment: This variant is not present in population databases (gnomAD no frequency). In summary, the currently available evidence indicates that the variant is pathogenic, but additional data are needed to prove that conclusively. Therefore, this variant has been classified as Likely Pathogenic. Algorithms developed to predict the effect of sequence changes on RNA splicing suggest that this variant may disrupt the consensus splice site. This variant has not been reported in the literature in individuals affected with PNP-related conditions. This sequence change affects an acceptor splice site in intron 2 of the PNP gene. It is expected to disrupt RNA splicing. Variants that disrupt the donor or acceptor splice site typically lead to a loss of protein function (PMID: 16199547), and loss-of-function variants in PNP are known to be pathogenic (PMID: 24767876).

Literature cited by the submitters: PubMed 16199547; PubMed 24767876.

NM_000270.4(PNP):c.182-2A>G

Gene: PNP (purine nucleoside phosphorylase; plus strand). Cytogenetic location: 14q11.2.
Variant type: single nucleotide variant.
Coding change: c.182-2A>G on transcript NM_000270.4 (MANE Select); the canonical splice acceptor site of the intron before coding-DNA position 182, A replaced by G.
Molecular consequence: splice acceptor variant.
Genome position (GRCh38, 1-based): chr14:20,474,470, A>G. VCF-style: chr14-20474470-A-G. GRCh37 (hg19) VCF-style: chr14-20942629-A-G.
Identifiers: ClinVar variation 2178845 (VCV002178845.4), dbSNP rs1882052778, ClinGen allele CA389144828.